The following is an entry in ClinVar:

ClinVar aggregate classification (germline): Uncertain significance (1 of 4 stars; one submission).

Allele frequency attached by ClinVar (database versions not stated): gnomAD exomes below 0.00001; ExAC 0.00001.
gnomAD v4.1: 3 of 1,606,890 alleles (0.00019%); highest among the groups gnomAD compares: Non-Finnish European, 0.00026%; no homozygotes.

Submission:

Labcorp Genetics (formerly Invitae), Labcorp
Classification: Uncertain significance. Last evaluated: 2023-08-25. Review status: criteria provided, single submitter. Criteria: Invitae Variant Classification Sherloc (09022015). Collection method: clinical testing. Allele origin: germline.
Comment: Advanced modeling of protein sequence and biophysical properties (such as structural, functional, and spatial information, amino acid conservation, physicochemical variation, residue mobility, and thermodynamic stability) performed at Invitae indicates that this missense variant is expected to disrupt CACNA1D protein function. This variant has not been reported in the literature in individuals affected with CACNA1D-related conditions. The frequency data for this variant in the population databases is considered unreliable, as metrics indicate poor data quality at this position in the gnomAD database. This sequence change replaces valine, which is neutral and non-polar, with methionine, which is neutral and non-polar, at codon 1024 of the CACNA1D protein (p.Val1024Met). In summary, the available evidence is currently insufficient to determine the role of this variant in disease. Therefore, it has been classified as a Variant of Uncertain Significance.

NM_001128840.3(CACNA1D):c.3010G>A (p.Val1004Met)

Gene: CACNA1D (calcium voltage-gated channel subunit alpha1 D; plus strand). Cytogenetic location: 3p21.1.
Variant type: single nucleotide variant.
Coding change: c.3010G>A on transcript NM_001128840.3 (MANE Select); coding-DNA position 3010, G replaced by A.
Protein change: p.Val1004Met; replaces valine 1004 with methionine.
Molecular consequence: missense variant.
Genome position (GRCh38, 1-based): chr3:53,745,627, G>A. VCF-style: chr3-53745627-G-A. GRCh37 (hg19) VCF-style: chr3-53779654-G-A.
Other names: c.3070G>A, p.Val1024Met (NM_000720.4); c.3010G>A, p.Val1004Met (NM_001128839.3); short protein forms V1004M, V1024M.
Identifiers: ClinVar variation 2755209 (VCV002755209.3), dbSNP rs777229929, ClinGen allele CA2454433.